The following is an entry in ClinVar:

NM_015272.5(RPGRIP1L):c.2522A>G (p.His841Arg)

Gene: RPGRIP1L (RPGRIP1 like; minus strand). Cytogenetic location: 16q12.2.
Variant type: single nucleotide variant.
Coding change: c.2522A>G on transcript NM_015272.5 (MANE Select); coding-DNA position 2522, A replaced by G.
Protein change: p.His841Arg; replaces histidine 841 with arginine.
Molecular consequence: missense variant.
Genome position (GRCh38, 1-based): chr16:53,645,786, T>C on the plus strand (A>G on the coding strand, the complement: RPGRIP1L is on the minus strand). VCF-style: chr16-53645786-T-C. GRCh37 (hg19) VCF-style: chr16-53679698-T-C.
Other names: c.2522A>G (NM_015272.4); c.2522A>G, p.His841Arg (NM_001127897.4, NM_001308334.3, NM_001330538.2); short protein forms H841R.
Identifiers: ClinVar variation 1170151 (VCV001170151.11), dbSNP rs766357656, ClinGen allele CA8057531.

ClinVar aggregate classification (germline): Benign/Likely benign. Review status: criteria provided, multiple submitters, no conflicts (2 of 4 stars). 3 submissions from 3 submitters: Benign (1); Likely benign (1). 1 of the submissions does not count toward it. Last evaluated 2026-01-14.

Conditions:
Meckel-Gruber syndrome. Also called: GRUBER SYNDROME; DYSENCEPHALIA SPLANCHNOCYSTICA; Dysencephalia splachnocystica. Identifiers: Orphanet 564, MedGen C0265215, MONDO:0018921.
Joubert syndrome. Also called: JOUBERT-BOLTSHAUSER SYNDROME; Familial aplasia of the vermis. Identifiers: Orphanet 475, MedGen C5979921, MONDO:0018772.
Meckel syndrome, type 5 (MKS5). Identifiers: Orphanet 564, MedGen C1969052, MONDO:0012695, OMIM 611561.
Joubert syndrome 7 (JBTS7). Identifiers: Orphanet 220497, MedGen C1969053, MONDO:0012694, OMIM 611560.
COACH syndrome 3. Identifiers: MedGen C5436841, MONDO:0030862, OMIM 619113.
RPGRIP1L-related disorder. Also called: RPGRIP1L-related condition; RPGRIP1L-related disorders. Identifiers: MedGen CN239416.

Allele frequency attached by ClinVar (database versions not stated): gnomAD 0.00001 and 0.00005; TOPMed 0.00003; ExAC 0.00016; gnomAD exomes 0.00016.
gnomAD v4.1: 122 of 1,614,194 alleles (0.0076%); highest among the groups gnomAD compares: South Asian, 0.12%; 7 homozygotes.

Submissions (3):

Labcorp Genetics (formerly Invitae), Labcorp
Classification: Benign for Joubert syndrome; Meckel-Gruber syndrome. Last evaluated: 2026-01-14. Review status: criteria provided, single submitter. Criteria: Invitae Variant Classification Sherloc (09022015). Collection method: clinical testing. Allele origin: germline.

Fulgent Genetics
Classification: Likely benign for Joubert syndrome 7; Meckel syndrome, type 5; COACH syndrome 3. Last evaluated: 2021-12-29. Review status: criteria provided, single submitter. Criteria: ACMG Guidelines, 2015. Collection method: clinical testing. Allele origin: unknown.

PreventionGenetics, part of Exact Sciences
Classification: Likely benign for RPGRIP1L-related condition. Last evaluated: 2022-08-16. Review status: no assertion criteria provided. Collection method: clinical testing. Allele origin: germline. Not counted in ClinVar's aggregate classification.
Comment: This variant is classified as likely benign based on ACMG/AMP sequence variant interpretation guidelines (Richards et al. 2015 PMID: 25741868, with internal and published modifications).